The following is an entry in ClinVar:

NM_006642.5(SDCCAG8):c.365T>C (p.Ile122Thr)

Gene: SDCCAG8 (SHH signaling and ciliogenesis regulator SDCCAG8; plus strand). Cytogenetic location: 1q43.
Variant type: single nucleotide variant.
Coding change: c.365T>C on transcript NM_006642.5 (MANE Select); coding-DNA position 365, T replaced by C.
Protein change: p.Ile122Thr; replaces isoleucine 122 with threonine.
Molecular consequence: missense variant. On other transcripts: 5 prime UTR variant (3).
Genome position (GRCh38, 1-based): chr1:243,274,601, T>C. VCF-style: chr1-243274601-T-C. GRCh37 (hg19) VCF-style: chr1-243437903-T-C.
Other names: c.-748T>C (NM_001350246.2); c.-636T>C (NM_001350247.2); c.365T>C, p.Ile122Thr (NM_001350248.2); c.71T>C, p.Ile24Thr (NM_001350249.2); c.-1009T>C (NM_001350251.2); short protein forms I122T, I24T.
Identifiers: ClinVar variation 1013820 (VCV001013820.5), dbSNP rs758051187, ClinGen allele CA40413568.

ClinVar aggregate classification (germline): Uncertain significance (1 of 4 stars; one submission).

Conditions:
Senior-Loken syndrome 7 (SLSN7). Identifiers: Orphanet 3156, MedGen C3150877, MONDO:0013326, OMIM 613615.
Bardet-Biedl syndrome 16 (BBS16). Identifiers: Orphanet 110, MedGen C3889474, MONDO:0014444, OMIM 615993.

Allele frequency attached by ClinVar (database versions not stated): gnomAD exomes below 0.00001 and 0.00001.

Submission:

Labcorp Genetics (formerly Invitae), Labcorp
Classification: Uncertain significance for Bardet-Biedl syndrome 16; Senior-Loken syndrome 7. Last evaluated: 2024-11-11. Review status: criteria provided, single submitter. Criteria: Invitae Variant Classification Sherloc (09022015). Collection method: clinical testing. Allele origin: germline.
Comment: This sequence change replaces isoleucine, which is neutral and non-polar, with threonine, which is neutral and polar, at codon 122 of the SDCCAG8 protein (p.Ile122Thr). This variant is present in population databases (rs758051187, gnomAD 0.0009%). This variant has not been reported in the literature in individuals affected with SDCCAG8-related conditions. ClinVar contains an entry for this variant (Variation ID: 1013820). Invitae Evidence Modeling of protein sequence and biophysical properties (such as structural, functional, and spatial information, amino acid conservation, physicochemical variation, residue mobility, and thermodynamic stability) has been performed for this missense variant. However, the output from this modeling did not meet the statistical confidence thresholds required to predict the impact of this variant on SDCCAG8 protein function. In summary, the available evidence is currently insufficient to determine the role of this variant in disease. Therefore, it has been classified as a Variant of Uncertain Significance.